The following is an entry in ClinVar:

NM_001104631.2(PDE4D):c.456-12C>T

Gene: PDE4D (phosphodiesterase 4D; minus strand). Cytogenetic location: 5q11.2.
Variant type: single nucleotide variant.
Coding change: c.456-12C>T on transcript NM_001104631.2 (MANE Select); 12 bases into the intron before coding-DNA position 456, C replaced by T.
Molecular consequence: intron variant.
Genome position (GRCh38, 1-based): chr5:59,215,980, G>A on the plus strand (C>T on the coding strand, the complement: PDE4D is on the minus strand). VCF-style: chr5-59215980-G-A. GRCh37 (hg19) VCF-style: chr5-58511806-G-A.
Other names: c.273-12C>T (NM_001364599.1, NM_001165899.2, NM_001364600.2); c.-239-12C>T (NM_001349243.2, NM_001364604.1); c.243-12C>T (NM_001349241.2); c.264-12C>T (NM_001197218.2, NM_001364602.2, NM_001364601.1); c.-495-12C>T (NM_001364603.1); c.48-12C>T (NM_006203.5); c.126-12C>T (NM_001349242.2); c.90-12C>T (NM_001197219.2); and 1 more.
Identifiers: ClinVar variation 353998 (VCV000353998.15), dbSNP rs114278541, ClinGen allele CA3276425.

ClinVar aggregate classification (germline): Benign/Likely benign. Review status: criteria provided, multiple submitters, no conflicts (2 of 4 stars). 3 submissions from 3 submitters: Benign (2); Likely benign (1). Last evaluated 2026-01-27.

Conditions:
Acrodysostosis 2 with or without hormone resistance. Also called: ACRODYSOSTOSIS 2 WITH HORMONE RESISTANCE; ACRODYSOSTOSIS 2 WITHOUT HORMONE RESISTANCE. Identifiers: Orphanet 280651, MedGen C3553250, MONDO:0013822, OMIM 614613.

Allele frequency attached by ClinVar (database versions not stated): gnomAD exomes 0.00100 and 0.00272; ExAC 0.00401; ESP Exome Variant Server 0.01044; gnomAD 0.01085 and 0.01159; TOPMed 0.01216; 1000 Genomes Project 0.01218; 1000 Genomes Project 30x 0.01312.
gnomAD v4.1: 3,154 of 1,594,732 alleles (0.2%); highest among the groups gnomAD compares: African/African-American, 3.7%; 57 homozygotes.

Submissions (3):

Labcorp Genetics (formerly Invitae), Labcorp
Classification: Benign. Last evaluated: 2026-01-27. Review status: criteria provided, single submitter. Criteria: Invitae Variant Classification Sherloc (09022015). Collection method: clinical testing. Allele origin: germline.

GeneDx
Classification: Likely benign. Last evaluated: 2018-10-27. Review status: criteria provided, single submitter. Criteria: GeneDx Variant Classification Process June 2021. Collection method: clinical testing. Allele origin: germline. Affected: yes.

Illumina Laboratory Services, Illumina
Classification: Benign for Acrodysostosis 2 with or without hormone resistance. Last evaluated: 2018-01-13. Review status: criteria provided, single submitter. Criteria: ICSL Variant Classification Criteria 13 December 2019. Collection method: clinical testing. Allele origin: germline.
Comment: This variant was observed in the ICSL laboratory as part of a predisposition screen in an ostensibly healthy population. It had not been previously curated by ICSL or reported in the Human Gene Mutation Database (HGMD: prior to June 1st, 2018), and was therefore a candidate for classification through an automated scoring system. Utilizing variant allele frequency, disease prevalence and penetrance estimates, and inheritance mode, an automated score was calculated to assess if this variant is too frequent to cause the disease. Based on the score and internal cut-off values, a variant classified as benign is not then subjected to further curation. The score for this variant resulted in a classification of benign for this disease.